The following is an entry in ClinVar:

ClinVar aggregate classification (germline): Conflicting classifications of pathogenicity. Review status: criteria provided, conflicting classifications (1 of 4 stars). 4 submissions from 4 submitters: Uncertain significance (3); Likely benign (1). Last evaluated 2025-08-01.

Conditions:
Inborn genetic diseases. Identifiers: MedGen C0950123, MeSH D030342.
Arthrogryposis- oculomotor limitation-electroretinal anomalies syndrome. Also called: ARTHROGRYPOSIS, DISTAL, TYPE 5; ARTHROGRYPOSIS WITH OCULOMOTOR LIMITATION AND ELECTRORETINAL ABNORMALITIES; ARTHROGRYPOSIS, DISTAL, TYPE IIB. Identifiers: Orphanet 1154, MedGen C1862472, MONDO:0007158, OMIM 108145.
Gordon syndrome (DA3). Also called: ARTHROGRYPOSIS MULTIPLEX CONGENITA, DISTAL, TYPE IIA; CAMPTODACTYLY, CLEFT PALATE, AND CLUBFOOT; Gordon's syndrome. Identifiers: Orphanet 376, MedGen C0220666, MONDO:0007252, OMIM 114300.
Marden-Walker syndrome (MWKS). Also called: Connective tissue disorder Marden Walker type. Identifiers: Orphanet 2461, MedGen C0796033, MONDO:0009564, OMIM 248700.
Arthrogryposis, distal, with impaired proprioception and touch (DAIPT). Identifiers: MedGen C4310692, MONDO:0014941, OMIM 617146.

Allele frequency attached by ClinVar (database versions not stated): gnomAD exomes 0.00007 and 0.00009; gnomAD 0.00009; TOPMed 0.00011; 1000 Genomes Project 30x 0.00016; 1000 Genomes Project 0.00020.

Submissions (4):

CeGaT Center for Human Genetics Tuebingen
Classification: Likely benign. Last evaluated: 2025-08-01. Review status: criteria provided, single submitter. Criteria: CeGaT Center For Human Genetics Tuebingen Variant Classification Criteria Version 2. Collection method: clinical testing. Allele origin: germline. Affected: yes. Observed: 1 variant allele.
Comment: PIEZO2: BS2

Labcorp Genetics (formerly Invitae), Labcorp
Classification: Uncertain significance. Last evaluated: 2025-01-23. Review status: criteria provided, single submitter. Criteria: Invitae Variant Classification Sherloc (09022015). Collection method: clinical testing. Allele origin: germline.
Comment: This sequence change replaces arginine, which is basic and polar, with tryptophan, which is neutral and slightly polar, at codon 2095 of the PIEZO2 protein (p.Arg2095Trp). This variant is present in population databases (rs541120113, gnomAD 0.01%). This variant has not been reported in the literature in individuals affected with PIEZO2-related conditions. ClinVar contains an entry for this variant (Variation ID: 1465020). Invitae Evidence Modeling of protein sequence and biophysical properties (such as structural, functional, and spatial information, amino acid conservation, physicochemical variation, residue mobility, and thermodynamic stability) indicates that this missense variant is not expected to disrupt PIEZO2 protein function with a negative predictive value of 80%. In summary, the available evidence is currently insufficient to determine the role of this variant in disease. Therefore, it has been classified as a Variant of Uncertain Significance.

Ambry Genetics
Classification: Uncertain significance for Inborn genetic diseases. Last evaluated: 2024-03-11. Review status: criteria provided, single submitter. Criteria: Ambry Variant Classification Scheme 2023. Collection method: clinical testing. Allele origin: germline.

Department of Pathology and Laboratory Medicine, Sinai Health System
Classification: Uncertain significance for Arthrogryposis- oculomotor limitation-electroretinal anomalies syndrome; Gordon syndrome; Marden-Walker syndrome; Arthrogryposis, distal, with impaired proprioception and touch. Last evaluated: 2022-10-19. Review status: criteria provided, single submitter. Criteria: ACMG Guidelines, 2015. Collection method: research. Allele origin: germline.

NM_001378183.1(PIEZO2):c.6622C>T (p.Arg2208Trp)

Gene: PIEZO2 (piezo type mechanosensitive ion channel component 2; minus strand). Cytogenetic location: 18p11.22.
Variant type: single nucleotide variant.
Coding change: c.6622C>T on transcript NM_001378183.1 (MANE Select); coding-DNA position 6622, C replaced by T.
Protein change: p.Arg2208Trp; replaces arginine 2208 with tryptophan.
Molecular consequence: missense variant.
Genome position (GRCh38, 1-based): chr18:10,698,997, G>A on the plus strand (C>T on the coding strand, the complement: PIEZO2 is on the minus strand). VCF-style: chr18-10698997-G-A. GRCh37 (hg19) VCF-style: chr18-10698995-G-A.
Other names: c.6283C>T, p.Arg2095Trp (NM_022068.4); c.6283C>T (NM_022068.2); short protein forms R2208W, R2095W.
Identifiers: ClinVar variation 1465020 (VCV001465020.18), dbSNP rs541120113, ClinGen allele CA295985538.